The following is an entry in ClinVar:

NM_003590.5(CUL3):c.1843-3C>A

Gene: CUL3 (cullin 3; minus strand). Cytogenetic location: 2q36.2.
Variant type: single nucleotide variant.
Coding change: c.1843-3C>A on transcript NM_003590.5 (MANE Select); 3 bases into the intron before coding-DNA position 1843, C replaced by A.
Molecular consequence: intron variant.
Genome position (GRCh38, 1-based): chr2:224,482,081, G>T on the plus strand (C>A on the coding strand, the complement: CUL3 is on the minus strand). VCF-style: chr2-224482081-G-T. GRCh37 (hg19) VCF-style: chr2-225346798-G-T.
Other names: c.1645-3C>A (NM_001257197.2); c.1861-3C>A (NM_001257198.2).
Identifiers: ClinVar variation 1304080 (VCV001304080.2), dbSNP rs2106152615, ClinGen allele CA2573051871.
Genomic context (GRCh38, chr2:224,482,081, plus strand): 5'-GGGACTGTAGGGCTCTAACAAGCTCTCTTTCAGGGATATCTGTCTCTTGCTGAATTTCCT[G>T]AAATTTCATCAGATTAACATAATTAGACTTTTTGAAAGATTAAAGTTAGTTAATTAGCAA-3'

ClinVar aggregate classification (germline): Uncertain significance (1 of 4 stars; one submission).

Submission:

GeneDx
Classification: Uncertain significance. Last evaluated: 2020-01-17. Review status: criteria provided, single submitter. Criteria: GeneDx Variant Classification Process June 2021. Collection method: clinical testing. Allele origin: germline. Affected: yes.
Comment: Not observed in large population cohorts (Lek et al., 2016); Has not been previously published as pathogenic or benign to our knowledge; In-silico analysis, which includes splice predictors and evolutionary conservation, is inconclusive as to whether the variant alters gene splicing. In the absence of RNA/functional studies, the actual effect of this sequence change is unknown.